The following is an entry in ClinVar:

NM_004525.3(LRP2):c.2830G>A (p.Gly944Ser)

Gene: LRP2 (LDL receptor related protein 2; minus strand). Cytogenetic location: 2q31.1.
Variant type: single nucleotide variant.
Coding change: c.2830G>A on transcript NM_004525.3 (MANE Select); coding-DNA position 2830, G replaced by A.
Protein change: p.Gly944Ser; replaces glycine 944 with serine.
Molecular consequence: missense variant.
Genome position (GRCh38, 1-based): chr2:169,247,456, C>T on the plus strand (G>A on the coding strand, the complement: LRP2 is on the minus strand). VCF-style: chr2-169247456-C-T. GRCh37 (hg19) VCF-style: chr2-170103966-C-T.
Other names: short protein forms G944S.
Identifiers: ClinVar variation 4540239 (VCV004540239.1).

ClinVar aggregate classification (germline): Uncertain significance (1 of 4 stars; one submission).

gnomAD v4.1: 6 of 1,614,130 alleles (0.00037%); highest among the groups gnomAD compares: Non-Finnish European, 0.00051%; no homozygotes.

Submission:

GeneDx
Classification: Uncertain significance. Last evaluated: 2025-06-25. Review status: criteria provided, single submitter. Criteria: GeneDx Variant Classification Process June 2021. Collection method: clinical testing. Allele origin: germline. Affected: yes.
Comment: In silico analysis supports that this missense variant has a deleterious effect on protein structure/function; Has not been previously published as pathogenic or benign to our knowledge